The following is an entry in ClinVar:

ClinVar aggregate classification (germline): Uncertain significance (1 of 4 stars; one submission).

gnomAD v4.1: 3 of 1,613,800 alleles (0.00019%); highest among the groups gnomAD compares: Non-Finnish European, 0.00025%; no homozygotes.

Submission:

GeneDx
Classification: Uncertain significance. Last evaluated: 2025-04-15. Review status: criteria provided, single submitter. Criteria: GeneDx Variant Classification Process June 2021. Collection method: clinical testing. Allele origin: germline. Affected: yes.
Comment: Not observed at significant frequency in large population cohorts (gnomAD); In silico analysis indicates that this missense variant does not alter protein structure/function; Has not been previously published as pathogenic or benign to our knowledge

NM_001161352.2(KCNMA1):c.2036C>T (p.Ala679Val)

Gene: KCNMA1 (potassium calcium-activated channel subfamily M alpha 1; minus strand). Cytogenetic location: 10q22.3.
Variant type: single nucleotide variant.
Coding change: c.2036C>T on transcript NM_001161352.2 (MANE Select); coding-DNA position 2036, C replaced by T.
Protein change: p.Ala679Val; replaces alanine 679 with valine.
Molecular consequence: missense variant.
Genome position (GRCh38, 1-based): chr10:77,012,023, G>A on the plus strand (C>T on the coding strand, the complement: KCNMA1 is on the minus strand). VCF-style: chr10-77012023-G-A. GRCh37 (hg19) VCF-style: chr10-78771781-G-A.
Other names: c.2048C>T, p.Ala683Val (NM_001014797.3, NM_001322830.2, NM_001322835.2 and 1 more transcripts); c.2036C>T, p.Ala679Val (NM_001161353.2, NM_001271519.2, NM_001322829.2 and 5 more transcripts); c.1886C>T, p.Ala629Val (NM_001271518.2); c.1496C>T, p.Ala499Val (NM_001322838.2); c.2168C>T, p.Ala723Val (NM_001437422.1); short protein forms A499V, A629V, A679V, A683V, A723V.
Identifiers: ClinVar variation 4281759 (VCV004281759.1).